The following is an entry in ClinVar:

NM_002292.4(LAMB2):c.2870G>A (p.Arg957Gln)

Gene: LAMB2 (laminin subunit beta 2; minus strand). Cytogenetic location: 3p21.31.
Variant type: single nucleotide variant.
Coding change: c.2870G>A on transcript NM_002292.4 (MANE Select); coding-DNA position 2870, G replaced by A.
Protein change: p.Arg957Gln; replaces arginine 957 with glutamine.
Molecular consequence: missense variant.
Genome position (GRCh38, 1-based): chr3:49,125,020, C>T on the plus strand (G>A on the coding strand, the complement: LAMB2 is on the minus strand). VCF-style: chr3-49125020-C-T. GRCh37 (hg19) VCF-style: chr3-49162453-C-T.
Other names: short protein forms R957Q.
Identifiers: ClinVar variation 902910 (VCV000902910.7), dbSNP rs764846938, ClinGen allele CA2394192.
Genomic context (GRCh38, chr3:49,125,020, plus strand): 5'-GCCCAGCCAACTCACCCTGATCCCACGCCTGCCCCCATCCACTCACCCGTATAGCCTGCC[C>T]GGCAGTGGCACACAATCTGCTGGGAATATTCATCCTGGTGGCAAGAAGTAGCAAAGTGCC-3'
Protein context (NP_002283.3, residues 947-967): EYSQQIVCHC[Arg957Gln]AGYTGLRCEA

ClinVar aggregate classification (germline): Uncertain significance. Review status: criteria provided, multiple submitters, no conflicts (2 of 4 stars). 4 submissions from 3 submitters: Uncertain significance (4). Last evaluated 2024-04-12.

Conditions:
Pierson syndrome. Also called: MICROCORIA-CONGENITAL NEPHROTIC SYNDROME. Identifiers: Orphanet 2670, MedGen C1836876, MONDO:0012184, OMIM 609049.
LAMB2-related infantile-onset nephrotic syndrome. Also called: NEPHROTIC SYNDROME, TYPE 5, WITHOUT OCULAR ABNORMALITIES; NEPHROTIC SYNDROME, TYPE 5, WITH OCULAR ABNORMALITIES; Nephrotic Syndrome, type 5. Identifiers: Orphanet 306507, MedGen C3280113, MONDO:0013621, OMIM 614199.

Allele frequency attached by ClinVar (database versions not stated): gnomAD 0.00002; gnomAD exomes 0.00003; TOPMed 0.00003; ExAC 0.00005.
gnomAD v4.1: 28 of 1,613,818 alleles (0.0017%); highest among the groups gnomAD compares: East Asian, 0.02%; no homozygotes.

Submissions (4):

Fulgent Genetics
Classification: Uncertain significance for Pierson syndrome; LAMB2-related infantile-onset nephrotic syndrome. Last evaluated: 2024-04-12. Review status: criteria provided, single submitter. Criteria: ACMG Guidelines, 2015. Collection method: clinical testing. Allele origin: germline.

Labcorp Genetics (formerly Invitae), Labcorp
Classification: Uncertain significance for LAMB2-related infantile-onset nephrotic syndrome; Pierson syndrome. Last evaluated: 2022-08-18. Review status: criteria provided, single submitter. Criteria: Invitae Variant Classification Sherloc (09022015). Collection method: clinical testing. Allele origin: germline.
Comment: This sequence change replaces arginine, which is basic and polar, with glutamine, which is neutral and polar, at codon 957 of the LAMB2 protein (p.Arg957Gln). This variant is present in population databases (rs764846938, gnomAD 0.02%). This variant has not been reported in the literature in individuals affected with LAMB2-related conditions. ClinVar contains an entry for this variant (Variation ID: 902910). Algorithms developed to predict the effect of missense changes on protein structure and function output the following: SIFT: "Tolerated"; PolyPhen-2: "Benign"; Align-GVGD: "Class C0". The glutamine amino acid residue is found in multiple mammalian species, which suggests that this missense change does not adversely affect protein function. In summary, the available evidence is currently insufficient to determine the role of this variant in disease. Therefore, it has been classified as a Variant of Uncertain Significance.

Illumina Laboratory Services, Illumina
Classification: Uncertain significance for Pierson syndrome. Last evaluated: 2018-01-15. Review status: criteria provided, single submitter. Criteria: ICSL Variant Classification Criteria 13 December 2019. Collection method: clinical testing. Allele origin: germline.

Illumina Laboratory Services, Illumina
Classification: Uncertain significance for LAMB2-related infantile-onset nephrotic syndrome. Last evaluated: 2018-01-15. Review status: criteria provided, single submitter. Criteria: ICSL Variant Classification Criteria 13 December 2019. Collection method: clinical testing. Allele origin: germline.